The following is an entry in ClinVar:

NM_001205293.3(CACNA1E):c.1690A>G (p.Thr564Ala)

Gene: CACNA1E (calcium voltage-gated channel subunit alpha1 E; plus strand). Cytogenetic location: 1q25.3.
Variant type: single nucleotide variant.
Coding change: c.1690A>G on transcript NM_001205293.3 (MANE Select); coding-DNA position 1690, A replaced by G.
Protein change: p.Thr564Ala; replaces threonine 564 with alanine.
Molecular consequence: missense variant.
Genome position (GRCh38, 1-based): chr1:181,719,802, A>G. VCF-style: chr1-181719802-A-G. GRCh37 (hg19) VCF-style: chr1-181688938-A-G.
Other names: c.1690A>G, p.Thr564Ala (NM_000721.4, NM_001205294.2); short protein forms T564A.
Identifiers: ClinVar variation 3773964 (VCV003773964.1).

ClinVar aggregate classification (germline): Uncertain significance (1 of 4 stars; one submission).

Submission:

GeneDx
Classification: Uncertain significance. Last evaluated: 2024-09-23. Review status: criteria provided, single submitter. Criteria: GeneDx Variant Classification Process June 2021. Collection method: clinical testing. Allele origin: germline. Affected: yes.
Comment: Not observed at significant frequency in large population cohorts (gnomAD); In silico analysis supports that this missense variant has a deleterious effect on protein structure/function; Has not been previously published as pathogenic or benign to our knowledge